The following is an entry in ClinVar:

NM_002037.5(FYN):c.1518C>G (p.Asp506Glu)

Gene: FYN (FYN proto-oncogene, Src family tyrosine kinase; minus strand). Cytogenetic location: 6q21.
Variant type: single nucleotide variant.
Coding change: c.1518C>G on transcript NM_002037.5 (MANE Select); coding-DNA position 1518, C replaced by G.
Protein change: p.Asp506Glu; replaces aspartic acid 506 with glutamic acid.
Molecular consequence: missense variant.
Genome position (GRCh38, 1-based): chr6:111,661,835, G>C on the plus strand (C>G on the coding strand, the complement: FYN is on the minus strand). VCF-style: chr6-111661835-G-C. GRCh37 (hg19) VCF-style: chr6-111983038-G-C.
Other names: c.1518C>G, p.Asp506Glu (NM_001370529.1); c.1509C>G, p.Asp503Glu (NM_153047.4); c.1353C>G, p.Asp451Glu (NM_153048.4); short protein forms D451E, D506E, D503E.
Identifiers: ClinVar variation 789183 (VCV000789183.27), dbSNP rs28763975, ClinGen allele CA3963458.

ClinVar aggregate classification (germline): Benign. Review status: criteria provided, multiple submitters, no conflicts (2 of 4 stars). 2 submissions from 2 submitters: Benign (2). Last evaluated 2022-11-01.

Allele frequency attached by ClinVar (database versions not stated): 1000 Genomes Project 30x 0.00578; 1000 Genomes Project 0.00599; TOPMed 0.01016; ESP Exome Variant Server 0.01223.
gnomAD v4.1: 21,789 of 1,614,168 alleles (1.3%); highest among the groups gnomAD compares: Non-Finnish European, 1.6%; 172 homozygotes.

Submissions (2):

CeGaT Center for Human Genetics Tuebingen
Classification: Benign. Last evaluated: 2022-11-01. Review status: criteria provided, single submitter. Criteria: CeGaT Center For Human Genetics Tuebingen Variant Classification Criteria Version 2. Collection method: clinical testing. Allele origin: germline. Affected: yes. Observed: 1 variant allele.
Comment: FYN: PP2, BS1, BS2

Labcorp Genetics (formerly Invitae), Labcorp
Classification: Benign. Last evaluated: 2018-10-22. Review status: criteria provided, single submitter. Criteria: Invitae Variant Classification Sherloc (09022015). Collection method: clinical testing. Allele origin: germline.